The following is an entry in ClinVar:

ClinVar aggregate classification (germline): Uncertain significance. Review status: criteria provided, multiple submitters, no conflicts (2 of 4 stars). 3 submissions from 3 submitters: Uncertain significance (3). Last evaluated 2026-05-26.

Conditions:
LRP2-related disorder. Also called: LRP2-related condition.
Inborn genetic diseases. Identifiers: MedGen C0950123, MeSH D030342.

Allele frequency attached by ClinVar (database versions not stated): gnomAD exomes 0.00001; ExAC 0.00003; TOPMed 0.00003; gnomAD 0.00004; ESP Exome Variant Server 0.00015; 1000 Genomes Project 30x 0.00016; 1000 Genomes Project 0.00020.
gnomAD v4.1: 15 of 1,614,112 alleles (0.00093%); highest among the groups gnomAD compares: African/African-American, 0.0067%; no homozygotes.

Submissions (3):

Ambry Genetics
Classification: Uncertain significance for Inborn genetic diseases. Last evaluated: 2026-05-26. Review status: criteria provided, single submitter. Criteria: Ambry Variant Classification Scheme 2023. Collection method: clinical testing. Allele origin: germline.
Comment: The c.12728G>A (p.R4243Q) alteration is located in exon 69 (coding exon 69) of the LRP2 gene. This alteration results from a G to A substitution at nucleotide position 12728, causing the arginine (R) at amino acid position 4243 to be replaced by a glutamine (Q). Based on data from gnomAD, the A allele has an overall frequency of 0.002% (5/282736) total alleles studied. The highest observed frequency was 0.016% (4/24966) of African alleles. Based on insufficient or conflicting evidence, the clinical significance of this alteration remains unclear.

PreventionGenetics, part of Exact Sciences
Classification: Uncertain significance for LRP2-related condition. Last evaluated: 2026-03-03. Review status: criteria provided, single submitter. Criteria: ACMG Guidelines, 2015. Collection method: clinical testing. Allele origin: germline.
Comment: The LRP2 c.12728G>A variant is predicted to result in the amino acid substitution p.Arg4243Gln. To our knowledge, this variant has not been reported in the literature. This variant is reported in 0.016% of alleles in individuals of African descent in gnomAD. At this time, the clinical significance of this variant is uncertain due to the absence of conclusive functional and genetic evidence.

Labcorp Genetics (formerly Invitae), Labcorp
Classification: Uncertain significance. Last evaluated: 2022-08-15. Review status: criteria provided, single submitter. Criteria: Invitae Variant Classification Sherloc (09022015). Collection method: clinical testing. Allele origin: germline.
Comment: This sequence change replaces arginine, which is basic and polar, with glutamine, which is neutral and polar, at codon 4243 of the LRP2 protein (p.Arg4243Gln). This variant is present in population databases (rs375149200, gnomAD 0.02%). This variant has not been reported in the literature in individuals affected with LRP2-related conditions. Advanced modeling of protein sequence and biophysical properties (such as structural, functional, and spatial information, amino acid conservation, physicochemical variation, residue mobility, and thermodynamic stability) performed at Invitae indicates that this missense variant is not expected to disrupt LRP2 protein function. In summary, the available evidence is currently insufficient to determine the role of this variant in disease. Therefore, it has been classified as a Variant of Uncertain Significance.

NM_004525.3(LRP2):c.12728G>A (p.Arg4243Gln)

Gene: LRP2 (LDL receptor related protein 2; minus strand). Cytogenetic location: 2q31.1.
Variant type: single nucleotide variant.
Coding change: c.12728G>A on transcript NM_004525.3 (MANE Select); coding-DNA position 12728, G replaced by A.
Protein change: p.Arg4243Gln; replaces arginine 4243 with glutamine.
Molecular consequence: missense variant.
Genome position (GRCh38, 1-based): chr2:169,146,822, C>T on the plus strand (G>A on the coding strand, the complement: LRP2 is on the minus strand). VCF-style: chr2-169146822-C-T. GRCh37 (hg19) VCF-style: chr2-170003332-C-T.
Other names: c.12728G>A (NM_004525.2); short protein forms R4243Q.
Identifiers: ClinVar variation 2047706 (VCV002047706.3), dbSNP rs375149200, ClinGen allele CA1952746.
Genomic context (GRCh38, chr2:169,146,822, plus strand): 5'-TCAGTCCCATCATATTTTATGGTTTCAATAACGTCCTCCTTGAAGTCACTCCAGTAGATT[C>T]GGTCATTGTTCAAATAATCGATAGAAAGGCCAGTTGGCCAACCAAGGTCCTCGAAAACCA-3'
Protein context (NP_004516.2, residues 4233-4253): GLSIDYLNND[Arg4243Gln]IYWSDFKEDV